The following is an entry in ClinVar:

ClinVar aggregate classification (germline): Likely benign (0 of 4 stars; one submission).

Conditions:
FAM111B-related disorder. Also called: FAM111B-related condition.

Allele frequency attached by ClinVar (database versions not stated): gnomAD exomes 0.00006; gnomAD 0.00007; ExAC 0.00011; ESP Exome Variant Server 0.00015; TOPMed 0.00015; 1000 Genomes Project 30x 0.00016; 1000 Genomes Project 0.00020.

Submission:

PreventionGenetics, part of Exact Sciences
Classification: Likely benign for FAM111B-related condition. Last evaluated: 2019-06-25. Review status: no assertion criteria provided. Collection method: clinical testing. Allele origin: germline.
Comment: This variant is classified as likely benign based on ACMG/AMP sequence variant interpretation guidelines (Richards et al. 2015 PMID: 25741868, with internal and published modifications).

NM_198947.4(FAM111B):c.1776G>A (p.Val592=)

Gene: FAM111B (FAM111 trypsin like peptidase B; plus strand). Cytogenetic location: 11q12.1.
Variant type: single nucleotide variant.
Coding change: c.1776G>A on transcript NM_198947.4 (MANE Select); coding-DNA position 1776, G replaced by A.
Protein change: p.Val592=; no amino-acid change (valine 592 retained).
Molecular consequence: synonymous variant.
Genome position (GRCh38, 1-based): chr11:59,125,873, G>A. VCF-style: chr11-59125873-G-A. GRCh37 (hg19) VCF-style: chr11-58893346-G-A.
Other names: c.1686G>A, p.Val562= (NM_001142703.2, NM_001142704.2).
Identifiers: ClinVar variation 3043187 (VCV003043187.2), dbSNP rs202177353, ClinGen allele CA6016368.